The following is an entry in ClinVar:

ClinVar aggregate classification (germline): Uncertain significance. Review status: criteria provided, multiple submitters, no conflicts (2 of 4 stars). 2 submissions from 2 submitters: Uncertain significance (2). Last evaluated 2025-08-30.

Conditions:
Inborn genetic diseases. Identifiers: MedGen C0950123, MeSH D030342.

Allele frequency attached by ClinVar (database versions not stated): TOPMed 0.00002; gnomAD 0.00003 and 0.00004.
gnomAD v4.1: 65 of 1,539,034 alleles (0.0042%); highest among the groups gnomAD compares: Non-Finnish European, 0.0052%; no homozygotes.

Submissions (2):

Labcorp Genetics (formerly Invitae), Labcorp
Classification: Uncertain significance. Last evaluated: 2025-08-30. Review status: criteria provided, single submitter. Criteria: Invitae Variant Classification Sherloc (09022015). Collection method: clinical testing. Allele origin: germline.
Comment: This sequence change replaces proline, which is neutral and non-polar, with leucine, which is neutral and non-polar, at codon 586 of the TNFRSF11A protein (p.Pro586Leu). This variant is present in population databases (no rsID available, gnomAD 0.008%). This variant has not been reported in the literature in individuals affected with TNFRSF11A-related conditions. ClinVar contains an entry for this variant (Variation ID: 1508992). An algorithm developed to predict the effect of missense changes on protein structure and function (PolyPhen-2) suggests that this variant is likely to be tolerated. In summary, the available evidence is currently insufficient to determine the role of this variant in disease. Therefore, it has been classified as a Variant of Uncertain Significance.

Ambry Genetics
Classification: Uncertain significance for Inborn genetic diseases. Last evaluated: 2022-07-05. Review status: criteria provided, single submitter. Criteria: Ambry Variant Classification Scheme 2023. Collection method: clinical testing. Allele origin: germline.

NM_003839.4(TNFRSF11A):c.1757C>T (p.Pro586Leu)

Gene: TNFRSF11A (TNF receptor superfamily member 11a; plus strand). Cytogenetic location: 18q21.33.
Variant type: single nucleotide variant.
Coding change: c.1757C>T on transcript NM_003839.4 (MANE Select); coding-DNA position 1757, C replaced by T.
Protein change: p.Pro586Leu; replaces proline 586 with leucine.
Molecular consequence: missense variant. On other transcripts: 3 prime UTR variant (1).
Genome position (GRCh38, 1-based): chr18:62,384,940, C>T. VCF-style: chr18-62384940-C-T. GRCh37 (hg19) VCF-style: chr18-60052173-C-T.
Other names: c.*181C>T (NM_001270949.2); c.920C>T, p.Pro307Leu (NM_001270950.2); c.806C>T, p.Pro269Leu (NM_001270951.2); c.1715C>T, p.Pro572Leu (NM_001278268.2); c.1757C>T (NM_003839.2); short protein forms P307L, P586L, P269L, P572L.
Identifiers: ClinVar variation 1508992 (VCV001508992.7), dbSNP rs1222597099, ClinGen allele CA402620623.